The following is an entry in ClinVar:

ClinVar aggregate classification (germline): Uncertain significance. Review status: criteria provided, multiple submitters, no conflicts (2 of 4 stars). 3 submissions from 3 submitters: Uncertain significance (3). Last evaluated 2025-09-10.

Conditions:
Kabuki syndrome 2 (KABUK2). Also called: KDM6A-Related Kabuki Syndrome. Identifiers: Orphanet 2322, MedGen C3275495, MONDO:0010465, OMIM 300867.

Allele frequency attached by ClinVar (database versions not stated): gnomAD exomes below 0.00001 and 0.00001; TOPMed below 0.00001; ExAC 0.00001.
gnomAD v4.1: 1 of 1,208,395 alleles (0.000083%); highest among the groups gnomAD compares: Non-Finnish European, 0.00011%; no homozygotes.

Submissions (4):

Genomic Medicine Center of Excellence, King Faisal Specialist Hospital and Research Centre
Classification: Uncertain significance for Kabuki syndrome 2. Last evaluated: 2025-09-10. Review status: criteria provided, single submitter. Criteria: ACMG Guidelines, 2015. Collection method: clinical testing. Allele origin: germline.

GeneDx
Classification: Uncertain significance. Last evaluated: 2020-01-06. Review status: criteria provided, single submitter. Criteria: GeneDx Variant Classification Process June 2021. Collection method: clinical testing. Allele origin: germline. Affected: yes.
Comment: Has not been previously published as pathogenic or benign to our knowledge; In silico analysis, which includes protein predictors and evolutionary conservation, supports a deleterious effect; In addition, in silico splice predictors suggest this variant may lead to abnormal gene splicing; In the absence of RNA/functional studies, the actual effect of this sequence change is unknown

Juno Genomics, Hangzhou Juno Genomics, Inc
Classification: Uncertain significance for Kabuki syndrome 2. Review status: criteria provided, single submitter. Criteria: ACMG Guidelines, 2015. Collection method: clinical testing. Allele origin: germline. Affected: yes.
Comment: Absent from controls (or at extremely low frequency if recessive) in Genome Aggregation Database, Exome Sequencing Project, 1000 Genomes Project, or Exome Aggregation Consortium.;Multiple lines of computational evidence support a deleterious effect on the gene or gene product (conservation, evolutionary, splicing impact, etc).;The prevalence of the variant in affected individuals is significantly increased compared to the prevalence in controls.;Patient's phenotype or family history is highly specific for a disease with a single genetic etiology.

Dr. Peter K. Rogan Lab, Western University
No classification provided (evidence only). Condition: Nonpapillary renal cell carcinoma. Review status: no classification provided. Collection method: in vitro. Allele origin: not applicable. Functional consequence: retained intron. Not counted in ClinVar's aggregate classification.

NM_001291415.2(KDM6A):c.871G>A (p.Gly291Arg)

Gene: KDM6A (lysine demethylase 6A; plus strand). Cytogenetic location: Xp11.3.
Variant type: single nucleotide variant.
Coding change: c.871G>A on transcript NM_001291415.2 (MANE Select); coding-DNA position 871, G replaced by A.
Protein change: p.Gly291Arg; replaces glycine 291 with arginine.
Molecular consequence: missense variant. On other transcripts: non-coding transcript variant (1).
Genome position (GRCh38, 1-based): chrX:45,053,951, G>A. VCF-style: chrX-45053951-G-A. GRCh37 (hg19) VCF-style: chrX-44913196-G-A.
Other names: NC_000023.10:g.44913196G>A; c.871G>A, p.Gly291Arg (NM_001291416.2, NM_001291417.2, NM_001291418.2 and 1 more transcripts); c.118G>A, p.Gly40Arg (NM_001291421.2); c.871G>A (NM_021140.3); short protein forms G291R, G40R.
Identifiers: ClinVar variation 1306205 (VCV001306205.5), dbSNP rs773995635, ClinGen allele CA10392275.